The following is an entry in ClinVar:

NM_018699.4(PRDM5):c.1874A>G (p.His625Arg)

Gene: PRDM5 (PR/SET domain 5; minus strand). Cytogenetic location: 4q27.
Variant type: single nucleotide variant.
Coding change: c.1874A>G on transcript NM_018699.4 (MANE Select); coding-DNA position 1874, A replaced by G.
Protein change: p.His625Arg; replaces histidine 625 with arginine.
Molecular consequence: missense variant. On other transcripts: 3 prime UTR variant (1).
Genome position (GRCh38, 1-based): chr4:120,695,130, T>C on the plus strand (A>G on the coding strand, the complement: PRDM5 is on the minus strand). VCF-style: chr4-120695130-T-C. GRCh37 (hg19) VCF-style: chr4-121616285-T-C.
Other names: c.1781A>G, p.His594Arg (NM_001300823.2); c.*189A>G (NM_001300824.2); c.1907A>G, p.His636Arg (NM_001379104.1); c.1676A>G, p.His559Arg (NM_001379106.1); short protein forms H559R, H594R, H625R, H636R.
Identifiers: ClinVar variation 2450364 (VCV002450364.2), dbSNP rs1457119801, ClinGen allele CA358206338.

ClinVar aggregate classification (germline): Uncertain significance (1 of 4 stars; one submission).

Conditions:
Cardiovascular phenotype. Identifiers: MedGen CN230736.

Allele frequency attached by ClinVar (database versions not stated): gnomAD exomes below 0.00001.
gnomAD v4.1: 4 of 1,613,270 alleles (0.00025%); highest among the groups gnomAD compares: Non-Finnish European, 0.00034%; no homozygotes.

Submission:

Ambry Genetics
Classification: Uncertain significance for Cardiovascular phenotype. Last evaluated: 2023-02-20. Review status: criteria provided, single submitter. Criteria: Ambry Variant Classification Scheme 2023. Collection method: clinical testing. Allele origin: germline.
Comment: The p.H625R variant (also known as c.1874A>G), located in coding exon 16 of the PRDM5 gene, results from an A to G substitution at nucleotide position 1874. The histidine at codon 625 is replaced by arginine, an amino acid with highly similar properties. This amino acid position is conserved. In addition, the in silico prediction for this alteration is inconclusive. Since supporting evidence is limited at this time, the clinical significance of this alteration remains unclear.